The following is an entry in ClinVar:

ClinVar aggregate classification (germline): Likely benign. Review status: criteria provided, multiple submitters, no conflicts (2 of 4 stars). 3 submissions from 3 submitters: Likely benign (3). Last evaluated 2025-05-07.

Conditions:
Episodic ataxia type 2 (EA2). Also called: ACETAZOLAMIDE-RESPONSIVE HEREDITARY PAROXYSMAL CEREBELLAR ATAXIA; ATAXIA, EPISODIC, WITH NYSTAGMUS; ATAXIA, FAMILIAL PAROXYSMAL; CEREBELLAR ATAXIA, PAROXYSMAL, ACETAZOLAMIDE-RESPONSIVE; CEREBELLOPATHY, HEREDITARY PAROXYSMAL; EPISODIC ATAXIA, NYSTAGMUS-ASSOCIATED. Identifiers: Orphanet 97, MedGen C1720416, MONDO:0007163, OMIM 108500.
Developmental and epileptic encephalopathy, 42 (DEE42A). Also called: Epileptic encephalopathy, early infantile, 42; DEVELOPMENTAL AND EPILEPTIC ENCEPHALOPATHY 42A; EPILEPTIC ENCEPHALOPATHY, EARLY INFANTILE, 42A. Identifiers: MedGen C4310716, MONDO:0014917, OMIM 617106.

Allele frequency attached by ClinVar (database versions not stated): gnomAD exomes below 0.00001 and 0.00001; TOPMed below 0.00001; ExAC 0.00001; ESP Exome Variant Server 0.00008.
gnomAD v4.1: 13 of 1,321,610 alleles (0.00098%); highest among the groups gnomAD compares: Non-Finnish European, 0.0014%; no homozygotes.

Submissions (3):

Labcorp Genetics (formerly Invitae), Labcorp
Classification: Likely benign for Developmental and epileptic encephalopathy, 42; Episodic ataxia type 2. Last evaluated: 2025-05-07. Review status: criteria provided, single submitter. Criteria: Invitae Variant Classification Sherloc (09022015). Collection method: clinical testing. Allele origin: germline.

Blueprint Genetics
Classification: Likely benign. Last evaluated: 2024-09-05. Review status: criteria provided, single submitter. Criteria: ACMG Guidelines, 2015. Collection method: clinical testing. Allele origin: germline.

GeneDx
Classification: Likely benign. Last evaluated: 2016-05-31. Review status: criteria provided, single submitter. Criteria: GeneDx Variant Classification (06012015). Collection method: clinical testing. Allele origin: germline. Affected: yes.
Comment: This variant is considered likely benign or benign based on one or more of the following criteria: it is a conservative change, it occurs at a poorly conserved position in the protein, it is predicted to be benign by multiple in silico algorithms, and/or has population frequency not consistent with disease.

NM_001127222.2(CACNA1A):c.1198+16C>A

Gene: CACNA1A (calcium voltage-gated channel subunit alpha1 A; minus strand). Cytogenetic location: 19p13.13.
Variant type: single nucleotide variant.
Coding change: c.1198+16C>A on transcript NM_001127222.2 (MANE Select); 16 bases into the intron after coding-DNA position 1198, C replaced by A.
Molecular consequence: intron variant.
Genome position (GRCh38, 1-based): chr19:13,334,362, G>T on the plus strand (C>A on the coding strand, the complement: CACNA1A is on the minus strand). VCF-style: chr19-13334362-G-T. GRCh37 (hg19) VCF-style: chr19-13445176-G-T.
Other names: c.1198+16C>A (NM_001127221.2, NM_001174080.2, NM_000068.4 and 1 more transcripts).
Identifiers: ClinVar variation 386552 (VCV000386552.12), dbSNP rs375761179, ClinGen allele CA9240899.